The following is an entry in ClinVar:

ClinVar aggregate classification (germline): Conflicting classifications of pathogenicity. Review status: criteria provided, conflicting classifications (1 of 4 stars). 2 submissions from 2 submitters: Uncertain significance (1); Benign (1). Last evaluated 2026-07-06.

Conditions:
Pheochromocytoma/paraganglioma syndrome 3. Also called: GLOMUS TUMORS, FAMILIAL, 3; Paragangliomas 3; SDHC-Related Hereditary Paraganglioma-Pheochromocytoma Syndrome (Paragangliomas 3); SDHC-Related Hereditary Paraganglioma-Pheochromocytoma Syndrome. Identifiers: Orphanet 29072, MedGen C1854336, MONDO:0011544, OMIM 605373.
Hereditary cancer-predisposing syndrome. Also called: Hereditary Cancer Syndrome; Hereditary neoplastic syndrome; Neoplastic Syndromes, Hereditary; Tumor predisposition. Identifiers: Orphanet 140162, MedGen C0027672, MeSH D009386, MONDO:0015356.

gnomAD v4.1: 2 of 1,612,944 alleles (0.00012%); highest among the groups gnomAD compares: African/African-American, 0.0027%; no homozygotes.

Submissions (2):

Ambry Genetics
Classification: Uncertain significance for Hereditary cancer-predisposing syndrome. Last evaluated: 2026-07-06. Review status: criteria provided, single submitter. Criteria: Ambry Variant Classification Scheme 2023. Collection method: clinical testing. Allele origin: germline.
Comment: The p.G119A variant (also known as c.356G>C), located in coding exon 5 of the SDHC gene, results from a G to C substitution at nucleotide position 356. The glycine at codon 119 is replaced by alanine, an amino acid with similar properties. This amino acid position is conserved. In addition, this alteration is predicted to be tolerated by in silico analysis. Based on the available evidence, the clinical significance of this variant remains unclear.

Myriad Genetics, Inc.
Classification: Benign for Pheochromocytoma/paraganglioma syndrome 3. Last evaluated: 2025-03-17. Review status: criteria provided, single submitter. Criteria: Myriad Autosomal Dominant, Autosomal Recessive and X-Linked Classification Criteria (2023). Collection method: clinical testing. Allele origin: unknown.
Comment: This variant is considered benign. This variant occurs in the non-coding 3' untranslated region of the gene and is not expected to impact protein function.

NM_003001.5(SDHC):c.*10G>C

Gene: SDHC (succinate dehydrogenase complex subunit C; plus strand). Cytogenetic location: 1q23.3.
Variant type: single nucleotide variant.
Coding change: c.*10G>C on transcript NM_003001.5 (MANE Select); 10 bases downstream of the stop codon, G replaced by C.
Molecular consequence: 3 prime UTR variant. On other transcripts: missense variant (3), non-coding transcript variant (1).
Genome position (GRCh38, 1-based): chr1:161,362,443, G>C. VCF-style: chr1-161362443-G-C. GRCh37 (hg19) VCF-style: chr1-161332233-G-C.
Other names: c.*10G>C (NM_001407119.1, NM_001407120.1, NM_001035512.3 and 5 more transcripts); c.299G>C, p.Gly100Ala (NM_001407121.1); c.356G>C, p.Gly119Ala (NM_001035511.3); c.254G>C, p.Gly85Ala (NM_001278172.3); c.356G>C (NM_001035511.1); short protein forms G100A, G119A, G85A.
Identifiers: ClinVar variation 3904386 (VCV003904386.2).